The following is an entry in ClinVar:

ClinVar aggregate classification (germline): Benign/Likely benign. Review status: criteria provided, multiple submitters, no conflicts (2 of 4 stars). 11 submissions from 11 submitters: Benign (4); Likely benign (6). 1 of the submissions does not count toward it. Last evaluated 2026-01-10.

Conditions:
Hereditary cancer-predisposing syndrome. Also called: Tumor predisposition; Neoplastic Syndromes, Hereditary; Hereditary Cancer Syndrome; Hereditary neoplastic syndrome. Identifiers: Orphanet 140162, MedGen C0027672, MeSH D009386, MONDO:0015356.
Familial cancer of breast. Also called: BREAST CANCER, FAMILIAL; hereditary breast carcinoma; Hereditary breast cancer. Identifiers: Orphanet 227535, MedGen C0346153, MONDO:0016419, OMIM 114480. Disease mechanism: loss of function.

Submissions (11):

Labcorp Genetics (formerly Invitae), Labcorp
Classification: Benign for Familial cancer of breast. Last evaluated: 2026-01-10. Review status: criteria provided, single submitter. Criteria: Invitae Variant Classification Sherloc (09022015). Collection method: clinical testing. Allele origin: germline.

Center for Genomic Medicine, Rigshospitalet, Copenhagen University Hospital
Classification: Likely benign. Last evaluated: 2025-12-29. Review status: criteria provided, single submitter. Criteria: ACMG Guidelines, 2015. Collection method: clinical testing. Allele origin: germline.

Quest Diagnostics Nichols Institute San Juan Capistrano
Classification: Likely benign. Last evaluated: 2025-04-12. Review status: criteria provided, single submitter. Criteria: Quest Diagnostics criteria. Collection method: clinical testing. Allele origin: unknown.

CeGaT Center for Human Genetics Tuebingen
Classification: Likely benign. Last evaluated: 2024-11-01. Review status: criteria provided, single submitter. Criteria: CeGaT Center For Human Genetics Tuebingen Variant Classification Criteria Version 2. Collection method: clinical testing. Allele origin: germline. Affected: yes. Observed: 2 variant alleles.
Comment: BARD1: BP4

Department of Pathology and Laboratory Medicine, Sinai Health System
Classification: Likely benign for Familial cancer of breast. Last evaluated: 2024-02-26. Review status: criteria provided, single submitter. Criteria: ACMG Guidelines, 2015. Collection method: clinical testing. Allele origin: germline. Affected: yes.

Myriad Genetics, Inc.
Classification: Benign for Familial cancer of breast. Last evaluated: 2023-02-24. Review status: criteria provided, single submitter. Criteria: Myriad Autosomal Dominant, Autosomal Recessive and X-Linked Classification Criteria (2023). Collection method: clinical testing. Allele origin: unknown.
Comment: This variant is considered benign. This variant is intronic and is not expected to impact mRNA splicing. This variant is strongly associated with less severe personal and family histories of cancer, typical for individuals without pathogenic variants in this gene [PMID: 25085752].

Sema4
Classification: Likely benign for Hereditary cancer-predisposing syndrome. Last evaluated: 2021-11-01. Review status: criteria provided, single submitter. Criteria: Sema4 Curation Guidelines. Collection method: curation. Allele origin: germline.

Women's Health and Genetics/Laboratory Corporation of America, LabCorp
Classification: Benign. Last evaluated: 2021-03-21. Review status: criteria provided, single submitter. Criteria: LabCorp Variant Classification Summary - May 2015. Collection method: clinical testing. Allele origin: germline.
Comment: Variant summary: BARD1 c.365-8delT alters a non-conserved nucleotide located close to a canonical splice site and therefore could affect mRNA splicing, leading to a significantly altered protein sequence. 4/4 computational tools predict no significant impact on normal splicing. However, these predictions have yet to be confirmed by functional studies. The variant allele was found at a frequency of 8.4e-05 in 238706 control chromosomes. This frequency is not significantly higher than expected for a pathogenic variant in BARD1 causing Breast Cancer (8.4e-05 vs 0.00025), allowing no conclusion about variant significance. To our knowledge, no occurrence of c.365-8delT in individuals affected with Breast Cancer and no experimental evidence demonstrating its impact on protein function have been reported. Four clinical diagnostic laboratories have submitted clinical-significance assessments for this variant to ClinVar after 2014 without evidence for independent evaluation. All laboratories classified the variant as benign/likely benign. Based on the evidence outlined above, the variant was classified as benign.

Color Diagnostics, LLC DBA Color Health
Classification: Likely benign for Hereditary cancer-predisposing syndrome. Last evaluated: 2016-01-06. Review status: criteria provided, single submitter. Criteria: ACMG Guidelines, 2015. Collection method: clinical testing. Allele origin: germline.

GeneDx
Classification: Benign. Last evaluated: 2015-03-17. Review status: criteria provided, single submitter. Criteria: GeneDx Variant Classification (06012015). Collection method: clinical testing. Allele origin: germline. Affected: yes.
Comment: This variant is considered likely benign or benign based on one or more of the following criteria: it is a conservative change, it occurs at a poorly conserved position in the protein, it is predicted to be benign by multiple in silico algorithms, and/or has population frequency not consistent with disease.

Counsyl
Classification: Likely benign for Familial cancer of breast. Last evaluated: 2018-05-17. Review status: no assertion criteria provided. Collection method: clinical testing. Allele origin: unknown. Not counted in ClinVar's aggregate classification.

Literature cited by the submitters: PubMed 25085752 (cited by Myriad Genetics, Inc.).

NM_000465.4(BARD1):c.365-8del

Gene: BARD1 (BRCA1 associated RING domain 1; minus strand). Cytogenetic location: 2q35.
Variant type: Deletion.
Coding change: c.365-8del on transcript NM_000465.4 (MANE Select); 8 bases into the intron before coding-DNA position 365, one base deleted (T; older notation c.365-8delT).
Molecular consequence: intron variant.
Genome position (GRCh38, 1-based): chr2:214,781,517, A deleted on the plus strand (T on the coding strand, the reverse complement: BARD1 is on the minus strand); the first of 7 consecutive A bases (chr2:214,781,517-214,781,523); deleting any one gives the same sequence. VCF-style (leftmost placement, unchanged base first): chr2-214781516-GA-G. GRCh37 (hg19) VCF-style: chr2-215646240-GA-G.
Other names: c.158+27895del (NM_001282548.2); c.308-8del (NM_001282543.2); c.215+15544del (NM_001282545.2); c.364+10780del (NM_001282549.2); c.365-8delT (NM_000465.3, NM_000465.2, NM_000465.4).
Identifiers: ClinVar variation 215472 (VCV000215472.39), dbSNP rs776103948, ClinGen allele CA337035.